The following is an entry in ClinVar:

NM_025103.4(IFT74):c.253A>T (p.Lys85Ter)

Gene: IFT74 (intraflagellar transport 74; plus strand). Cytogenetic location: 9p21.2.
Variant type: single nucleotide variant.
Coding change: c.253A>T on transcript NM_025103.4 (MANE Select); coding-DNA position 253, A replaced by T.
Protein change: p.Lys85Ter; replaces lysine 85 with a stop codon.
Molecular consequence: nonsense.
Genome position (GRCh38, 1-based): chr9:26,978,260, A>T. VCF-style: chr9-26978260-A-T. GRCh37 (hg19) VCF-style: chr9-26978258-A-T.
Other names: c.253A>T, p.Lys85Ter (NM_001099222.3, NM_001099223.3, NM_001099224.3 and 1 more transcripts); short protein forms K85*.
Identifiers: ClinVar variation 1373199 (VCV001373199.6), dbSNP rs2131525635, ClinGen allele CA373124137.
Genomic context (GRCh38, chr9:26,978,260, plus strand): 5'-ATCAAAGTTGCCCATCGCCCTGTAACACAACAAGGTTTGACTGGAATGAAAACTGGGACG[A>T]AAGGTACCTATTTTAAGATAAGTATGACACTTGGGCCTGTGTTTTGTAAGAAATAAATAA-3'

ClinVar aggregate classification (germline): Pathogenic (1 of 4 stars; one submission).

Submission:

Labcorp Genetics (formerly Invitae), Labcorp
Classification: Pathogenic. Last evaluated: 2021-12-02. Review status: criteria provided, single submitter. Criteria: Invitae Variant Classification Sherloc (09022015). Collection method: clinical testing. Allele origin: germline.
Comment: For these reasons, this variant has been classified as Pathogenic. Algorithms developed to predict the effect of sequence changes on RNA splicing suggest that this variant may create or strengthen a splice site. This variant has not been reported in the literature in individuals affected with IFT74-related conditions. This variant is not present in population databases (gnomAD no frequency). This sequence change creates a premature translational stop signal (p.Lys85*) in the IFT74 gene. It is expected to result in an absent or disrupted protein product. Loss-of-function variants in IFT74 are known to be pathogenic (PMID: 33531668).

Literature cited by the submitters: PubMed 33531668.